The following is an entry in ClinVar:

NM_000057.4(BLM):c.3694G>A (p.Val1232Ile)

Gene: BLM (BLM RecQ like helicase; plus strand). Cytogenetic location: 15q26.1.
Variant type: single nucleotide variant.
Coding change: c.3694G>A on transcript NM_000057.4 (MANE Select); coding-DNA position 3694, G replaced by A.
Protein change: p.Val1232Ile; replaces valine 1232 with isoleucine.
Molecular consequence: missense variant. On other transcripts: intron variant (1).
Genome position (GRCh38, 1-based): chr15:90,804,302, G>A. VCF-style: chr15-90804302-G-A. GRCh37 (hg19) VCF-style: chr15-91347532-G-A.
Other names: c.3694G>A (NM_000057.2); c.3694G>A, p.Val1232Ile (NM_001287246.2); c.2569G>A, p.Val857Ile (NM_001287248.2); c.3359-4835G>A (NM_001287247.2); short protein forms V857I, V1232I.
Identifiers: ClinVar variation 947068 (VCV000947068.16), dbSNP rs1897236925, ClinGen allele CA393848182.

ClinVar aggregate classification (germline): Uncertain significance. Review status: criteria provided, multiple submitters, no conflicts (2 of 4 stars). 3 submissions from 3 submitters: Uncertain significance (2). 1 of the submissions does not count toward it. Last evaluated 2025-03-25.

Conditions:
Hereditary cancer-predisposing syndrome. Also called: Hereditary neoplastic syndrome; Neoplastic Syndromes, Hereditary; Tumor predisposition; Hereditary Cancer Syndrome. Identifiers: Orphanet 140162, MedGen C0027672, MeSH D009386, MONDO:0015356.
Bloom syndrome (BLM). Also called: Bloom-Torre-Machacek syndrome. Identifiers: Orphanet 125, MedGen C0005859, MONDO:0008876, OMIM 210900.

Submissions (3):

Ambry Genetics
Classification: Uncertain significance for Hereditary cancer-predisposing syndrome. Last evaluated: 2025-03-25. Review status: criteria provided, single submitter. Criteria: Ambry Variant Classification Scheme 2023. Collection method: clinical testing. Allele origin: germline.
Comment: The p.V1232I variant (also known as c.3694G>A), located in coding exon 18 of the BLM gene, results from a G to A substitution at nucleotide position 3694. The valine at codon 1232 is replaced by isoleucine, an amino acid with highly similar properties. This amino acid position is conserved. In addition, this alteration is predicted to be tolerated by in silico analysis. Since supporting evidence is limited at this time, the clinical significance of this alteration remains unclear.

Labcorp Genetics (formerly Invitae), Labcorp
Classification: Uncertain significance for Bloom syndrome. Last evaluated: 2023-04-06. Review status: criteria provided, single submitter. Criteria: Invitae Variant Classification Sherloc (09022015). Collection method: clinical testing. Allele origin: germline.
Comment: This sequence change replaces valine, which is neutral and non-polar, with isoleucine, which is neutral and non-polar, at codon 1232 of the BLM protein (p.Val1232Ile). This variant is not present in population databases (gnomAD no frequency). This variant has not been reported in the literature in individuals affected with BLM-related conditions. ClinVar contains an entry for this variant (Variation ID: 947068). Advanced modeling of protein sequence and biophysical properties (such as structural, functional, and spatial information, amino acid conservation, physicochemical variation, residue mobility, and thermodynamic stability) performed at Invitae indicates that this missense variant is not expected to disrupt BLM protein function. In summary, the available evidence is currently insufficient to determine the role of this variant in disease. Therefore, it has been classified as a Variant of Uncertain Significance.

Natera, Inc.
Classification: Uncertain significance for Bloom syndrome. Last evaluated: 2019-10-21. Review status: no assertion criteria provided. Collection method: clinical testing. Allele origin: germline. Not counted in ClinVar's aggregate classification.